The following is an entry in ClinVar:

ClinVar aggregate classification (germline): Pathogenic (1 of 4 stars; one submission).

Submission:

Labcorp Genetics (formerly Invitae), Labcorp
Classification: Pathogenic. Last evaluated: 2025-05-15. Review status: criteria provided, single submitter. Criteria: Invitae Variant Classification Sherloc (09022015). Collection method: clinical testing. Allele origin: germline.
Comment: This sequence change creates a premature translational stop signal (p.Glu245Valfs*13) in the KIZ gene. It is expected to result in an absent or disrupted protein product. Loss-of-function variants in KIZ are known to be pathogenic (PMID: 24680887, 29057815). This variant is not present in population databases (gnomAD no frequency). This variant has not been reported in the literature in individuals affected with KIZ-related conditions. For these reasons, this variant has been classified as Pathogenic.

Literature cited by the submitters: PubMed 24680887; PubMed 29057815.

NM_018474.6(KIZ):c.732_829del (p.Glu245fs)

Gene: KIZ (kizuna centrosomal protein; plus strand). Cytogenetic location: 20p11.23.
Variant type: Deletion.
Coding change: c.732_829del on transcript NM_018474.6 (MANE Select); coding-DNA positions 732 to 829, 98 bases deleted.
Protein change: p.Glu245fs; shifts the reading frame from glutamic acid 245.
Molecular consequence: frameshift variant.
Genome position (GRCh38, 1-based): chr20:21,162,197-21,162,294, 98 bases deleted. GRCh37 (hg19): chr20:21,142,838-21,142,935.
Other names: c.423_520del, p.Glu142fs (NM_001163022.3, NM_001352435.2); c.333_430del, p.Glu112fs (NM_001163023.3); c.585_682del, p.Glu196fs (NM_001276389.2); c.732_829del, p.Glu245fs (NM_001352434.2); c.390_487del, p.Glu131fs (NM_001352436.2); short protein forms E112fs, E142fs, E131fs, E196fs, E245fs.
Identifiers: ClinVar variation 4719669 (VCV004719669.1).